The following is an entry in ClinVar:

ClinVar aggregate classification (germline): Uncertain significance (0 of 4 stars; one submission).

Conditions:
Prostate cancer. Also called: Malignant tumor of prostate. Identifiers: Orphanet 1331, MedGen C0376358, MONDO:0008315, HP:0012125.

Submission:

Science for Life laboratory,  Karolinska Institutet
Classification: Uncertain significance for Malignant tumor of prostate. Review status: no assertion criteria provided. Collection method: not provided. Allele origin: somatic.
Comment: TumorID:SWE-17
ClinVar note: Converted during submission from Unknown to Uncertain significance.

NM_014639.4(SKIC3):c.140G>C (p.Gly47Ala)

Gene: SKIC3 (SKI3 subunit of superkiller complex; minus strand). Cytogenetic location: 5q15.
Variant type: single nucleotide variant.
Coding change: c.140G>C on transcript NM_014639.4 (MANE Select); coding-DNA position 140, G replaced by C.
Protein change: p.Gly47Ala; replaces glycine 47 with alanine.
Molecular consequence: missense variant.
Genome position (GRCh38, 1-based): chr5:95,543,278, C>G on the plus strand (G>C on the coding strand, the complement: SKIC3 is on the minus strand). VCF-style: chr5-95543278-C-G. GRCh37 (hg19) VCF-style: chr5-94878982-C-G.
Other names: short protein forms G47A.
Identifiers: ClinVar variation 161678 (VCV000161678.2), dbSNP rs193920885, ClinGen allele CA174582.